The following is an entry in ClinVar:

NM_181486.4(TBX5):c.446_465del (p.Met149fs)

Gene: TBX5 (T-box transcription factor 5; minus strand). Cytogenetic location: 12q24.21.
Variant type: Deletion.
Coding change: c.446_465del on transcript NM_181486.4 (MANE Select); coding-DNA positions 446 to 465, 20 bases deleted (TGAGGCAGCTCGTCTCCTTC).
Protein change: p.Met149fs; shifts the reading frame from methionine 149.
Molecular consequence: frameshift variant.
Genome position (GRCh38, 1-based): chr12:114,398,618-114,398,637, GAAGGAGACGAGCTGCCTCA deleted on the plus strand (TGAGGCAGCTCGTCTCCTTC on the coding strand, the reverse complement: TBX5 is on the minus strand). VCF-style (leftmost placement, unchanged base first): chr12-114398617-GGAAGGAGACGAGCTGCCTCA-G. GRCh37 (hg19) VCF-style: chr12-114836422-GGAAGGAGACGAGCTGCCTCA-G.
Other names: c.446_465del, p.Met149fs (NM_000192.3); c.296_315del, p.Met99fs (NM_080717.4); c.446_465del20 (NM_000192.3); short protein forms M149fs, M99fs.
Identifiers: ClinVar variation 2474430 (VCV002474430.2), dbSNP rs2540471436, ClinGen allele CA2580085837.

ClinVar aggregate classification (germline): Pathogenic (1 of 4 stars; one submission).

Conditions:
Cardiovascular phenotype. Identifiers: MedGen CN230736.

Submission:

Ambry Genetics
Classification: Pathogenic for Cardiovascular phenotype. Last evaluated: 2023-01-30. Review status: criteria provided, single submitter. Criteria: Ambry Variant Classification Scheme 2023. Collection method: clinical testing. Allele origin: germline.
Comment: The c.446_465del20 (p.M149Tfs*27) alteration, located in exon 5 (coding exon 4) of the TBX5 gene, consists of a deletion of 20 nucleotides from position 446 to 465, causing a translational frameshift with a predicted alternate stop codon after 27 amino acids. This alteration is expected to result in loss of function by premature protein truncation or nonsense-mediated mRNA decay. This variant was not reported in population-based cohorts in the Genome Aggregation Database (gnomAD). Based on the available evidence, this alteration is classified as pathogenic.